The following is an entry in ClinVar:

NM_000384.3(APOB):c.2515C>A (p.Pro839Thr)

Gene: APOB (apolipoprotein B; minus strand). Cytogenetic location: 2p24.1.
Variant type: single nucleotide variant.
Coding change: c.2515C>A on transcript NM_000384.3 (MANE Select); coding-DNA position 2515, C replaced by A.
Protein change: p.Pro839Thr; replaces proline 839 with threonine.
Molecular consequence: missense variant.
Genome position (GRCh38, 1-based): chr2:21,023,614, G>T on the plus strand (C>A on the coding strand, the complement: APOB is on the minus strand). VCF-style: chr2-21023614-G-T. GRCh37 (hg19) VCF-style: chr2-21246486-G-T.
Other names: short protein forms P839T.
Identifiers: ClinVar variation 2586180 (VCV002586180.2), dbSNP rs1329930501, ClinGen allele CA346011107.

ClinVar aggregate classification (germline): Uncertain significance (1 of 4 stars; one submission).

Conditions:
Cardiovascular phenotype. Identifiers: MedGen CN230736.

gnomAD v4.1: 1 of 1,614,132 alleles (0.000062%); highest among the groups gnomAD compares: Non-Finnish European, 0.000085%; no homozygotes.

Submission:

Ambry Genetics
Classification: Uncertain significance for Cardiovascular phenotype. Last evaluated: 2023-07-14. Review status: criteria provided, single submitter. Criteria: Ambry Variant Classification Scheme 2023. Collection method: clinical testing. Allele origin: germline.
Comment: The p.P839T variant (also known as c.2515C>A), located in coding exon 17 of the APOB gene, results from a C to A substitution at nucleotide position 2515. The proline at codon 839 is replaced by threonine, an amino acid with highly similar properties. This amino acid position is conserved. In addition, this alteration is predicted to be deleterious by in silico analysis. Since supporting evidence is limited at this time, the clinical significance of this alteration remains unclear.